The following is an entry in ClinVar:

ClinVar aggregate classification (germline): Benign (1 of 4 stars; one submission).

Conditions:
Polydactyly of a triphalangeal thumb. Also called: POLYDACTYLY OF TRIPHALANGEAL THUMB; TRIPHALANGEAL THUMB-POLYDACTYLY SYNDROME; Polydactyly, preaxial type II. Identifiers: Orphanet 2439, Orphanet 2950, Orphanet 93336, MedGen C1868114, MONDO:0008270, OMIM 174500.

Allele frequency attached by ClinVar (database versions not stated): gnomAD 0.01620 and 0.01743; 1000 Genomes Project 0.01837; TOPMed 0.01873; 1000 Genomes Project 30x 0.02030.

Submission:

Illumina Laboratory Services, Illumina
Classification: Benign for Polydactyly of a triphalangeal thumb. Last evaluated: 2018-01-12. Review status: criteria provided, single submitter. Criteria: ICSL Variant Classification Criteria 13 December 2019. Collection method: clinical testing. Allele origin: germline.
Comment: This variant was observed in the ICSL laboratory as part of a predisposition screen in an ostensibly healthy population. It had not been previously curated by ICSL or reported in the Human Gene Mutation Database (HGMD: prior to June 1st, 2018), and was therefore a candidate for classification through an automated scoring system. Utilizing variant allele frequency, disease prevalence and penetrance estimates, and inheritance mode, an automated score was calculated to assess if this variant is too frequent to cause the disease. Based on the score and internal cut-off values, a variant classified as benign is not then subjected to further curation. The score for this variant resulted in a classification of benign for this disease.

NM_022458.4(LMBR1):c.*722G>C

Gene: LMBR1 (limb development membrane protein 1; minus strand). Cytogenetic location: 7q36.3.
Variant type: single nucleotide variant.
Coding change: c.*722G>C on transcript NM_022458.4 (MANE Select); 722 bases downstream of the stop codon, G replaced by C.
Molecular consequence: 3 prime UTR variant. On other transcripts: non-coding transcript variant (2).
Genome position (GRCh38, 1-based): chr7:156,683,356, C>G on the plus strand (G>C on the coding strand, the complement: LMBR1 is on the minus strand). VCF-style: chr7-156683356-C-G. GRCh37 (hg19) VCF-style: chr7-156476050-C-G.
Other names: c.*722G>C (NM_001350953.2, NM_001350954.2, NM_001350955.2 and 8 more transcripts).
Identifiers: ClinVar variation 359406 (VCV000359406.5), dbSNP rs11982416, ClinGen allele CA10628627.